The following is an entry in ClinVar:

NM_000183.3(HADHB):c.747_748del (p.His249fs)

Gene: HADHB (hydroxyacyl-CoA dehydrogenase trifunctional multienzyme complex subunit beta; plus strand). Cytogenetic location: 2p23.3.
Variant type: Microsatellite.
Coding change: c.747_748del on transcript NM_000183.3 (MANE Select); coding-DNA positions 747 to 748, 2 bases deleted (CA; older notation c.747_748delCA).
Protein change: p.His249fs; shifts the reading frame from histidine 249.
Molecular consequence: frameshift variant.
Genome position (GRCh38, 1-based): chr2:26,279,251-26,279,252, CA deleted; deleting any 2 consecutive bases within chr2:26,279,249-26,279,252 gives the same sequence; the c. name uses the placement nearest the transcript's 3' end. VCF-style (leftmost placement, unchanged base first): chr2-26279248-TCA-T. GRCh37 (hg19) VCF-style: chr2-26502116-TCA-T.
Other names: c.702_703del, p.His234fs (NM_001281512.2); c.681_682del, p.His227fs (NM_001281513.2); short protein forms H234fs, H227fs, H249fs.
Identifiers: ClinVar variation 2724901 (VCV002724901.3), dbSNP rs2465720858, ClinGen allele CA2697547876.
Genomic context (GRCh38, chr2:26,279,248, plus strand): 5'-CCGACTGGCCGCTGCCTTTGCTGTTTCTCGGCTGGAACAGGATGAATATGCACTGCGCTC[TCA>T]CAGTCTAGCCAAGAAGGCACAGGATGAAGGACTCCTTTCTGATGTGGTACCCTTCAAAGT-3'

ClinVar aggregate classification (germline): Pathogenic (1 of 4 stars; one submission).

Conditions:
Mitochondrial trifunctional protein deficiency. Identifiers: Orphanet 746, MedGen C1969443, MONDO:0012172.

Submission:

Labcorp Genetics (formerly Invitae), Labcorp
Classification: Pathogenic for Mitochondrial trifunctional protein deficiency. Last evaluated: 2023-09-10. Review status: criteria provided, single submitter. Criteria: Invitae Variant Classification Sherloc (09022015). Collection method: clinical testing. Allele origin: germline.
Comment: This sequence change creates a premature translational stop signal (p.His249Glnfs*9) in the HADHB gene. It is expected to result in an absent or disrupted protein product. Loss-of-function variants in HADHB are known to be pathogenic (PMID: 9259266, 12754706). This variant is not present in population databases (gnomAD no frequency). This variant has not been reported in the literature in individuals affected with HADHB-related conditions. For these reasons, this variant has been classified as Pathogenic.

Literature cited by the submitters: PubMed 9259266; PubMed 12754706.